The following is an entry in ClinVar:

ClinVar aggregate classification (germline): Benign/Likely benign. Review status: criteria provided, multiple submitters, no conflicts (2 of 4 stars). 8 submissions from 8 submitters: Benign (1); Likely benign (7). Last evaluated 2025-10-23.

Conditions:
Classic or attenuated familial adenomatous polyposis. Identifiers: MedGen CN372698, MONDO:0021057.
Hereditary cancer-predisposing syndrome. Also called: Tumor predisposition; Hereditary Cancer Syndrome; Hereditary neoplastic syndrome; Neoplastic Syndromes, Hereditary. Identifiers: Orphanet 140162, MedGen C0027672, MeSH D009386, MONDO:0015356.
Familial adenomatous polyposis 1 (FAP1). Also called: FAMILIAL ADENOMATOUS POLYPOSIS 1, ATTENUATED; POLYPOSIS, ADENOMATOUS INTESTINAL. Identifiers: MedGen C2713442, MONDO:0021056, OMIM 175100. Disease mechanism: loss of function.

Allele frequency attached by ClinVar (database versions not stated): gnomAD exomes below 0.00001; ExAC 0.00001; gnomAD 0.00001.
gnomAD v4.1: 18 of 1,613,974 alleles (0.0011%); highest among the groups gnomAD compares: Non-Finnish European, 0.0014%; no homozygotes.

Submissions (8):

Labcorp Genetics (formerly Invitae), Labcorp
Classification: Likely benign for Familial adenomatous polyposis 1. Last evaluated: 2025-10-23. Review status: criteria provided, single submitter. Criteria: Invitae Variant Classification Sherloc (09022015). Collection method: clinical testing. Allele origin: germline.

Myriad Genetics, Inc.
Classification: Benign for Familial adenomatous polyposis 1. Last evaluated: 2024-03-18. Review status: criteria provided, single submitter. Criteria: Myriad Autosomal Dominant, Autosomal Recessive and X-Linked Classification Criteria (2023). Collection method: clinical testing. Allele origin: unknown.
Comment: This variant is considered benign. This variant is a silent/synonymous amino acid change and it is not expected to impact splicing.

All of Us Research Program, National Institutes of Health
Classification: Likely benign for Classic or attenuated familial adenomatous polyposis. Last evaluated: 2023-08-15. Review status: criteria provided, single submitter. Criteria: ACMG Guidelines, 2015. Collection method: clinical testing. Allele origin: germline. Inheritance: Autosomal dominant inheritance. Observed: 6 variant alleles, 6 heterozygotes.
Comment: This study involves interpretation of variants in research participants for the purpose of population health screening. Participant phenotype was not available at the time of variant classification. Additional details can be found in publication PMID: 35346344, PMCID: PMC8962531

Sema4
Classification: Likely benign for Hereditary cancer-predisposing syndrome. Last evaluated: 2022-03-12. Review status: criteria provided, single submitter. Criteria: Sema4 Curation Guidelines. Collection method: curation. Allele origin: germline.

GeneDx
Classification: Likely benign. Last evaluated: 2021-04-26. Review status: criteria provided, single submitter. Criteria: GeneDx Variant Classification Process June 2021. Collection method: clinical testing. Allele origin: germline. Affected: yes.

Quest Diagnostics Nichols Institute San Juan Capistrano
Classification: Likely benign. Last evaluated: 2020-02-12. Review status: criteria provided, single submitter. Criteria: Quest Diagnostics criteria. Collection method: clinical testing. Allele origin: unknown.

Color Diagnostics, LLC DBA Color Health
Classification: Likely benign for Hereditary cancer-predisposing syndrome. Last evaluated: 2017-09-11. Review status: criteria provided, single submitter. Criteria: ACMG Guidelines, 2015. Collection method: clinical testing. Allele origin: germline.

Ambry Genetics
Classification: Likely benign for Hereditary cancer-predisposing syndrome. Last evaluated: 2015-11-30. Review status: criteria provided, single submitter. Criteria: Ambry Variant Classification Scheme 2023. Collection method: clinical testing. Allele origin: germline.

NM_000038.6(APC):c.3258C>T (p.His1086=)

Gene: APC (APC regulator of Wnt signaling pathway; plus strand). Cytogenetic location: 5q22.2.
Variant type: single nucleotide variant.
Coding change: c.3258C>T on transcript NM_000038.6 (MANE Select); coding-DNA position 3258, C replaced by T.
Protein change: p.His1086=; no amino-acid change (histidine 1086 retained).
Molecular consequence: synonymous variant.
Genome position (GRCh38, 1-based): chr5:112,838,852, C>T. VCF-style: chr5-112838852-C-T. GRCh37 (hg19) VCF-style: chr5-112174549-C-T.
Other names: c.3258C>T, p.His1086= (NM_001127510.3, NM_001354895.2); c.3204C>T, p.His1068= (NM_001127511.3); c.3312C>T, p.His1104= (NM_001354896.2); c.3288C>T, p.His1096= (NM_001354897.2); c.3183C>T, p.His1061= (NM_001354898.2); c.3174C>T, p.His1058= (NM_001354899.2); c.3135C>T, p.His1045= (NM_001354900.2); c.3081C>T, p.His1027= (NM_001354901.2); and 5 more.
Identifiers: ClinVar variation 183831 (VCV000183831.23), dbSNP rs778031876, ClinGen allele CA008197.
Genomic context (GRCh38, chr5:112,838,852, plus strand): 5'-ACAATCAAGGAATCAAAGTACAACTTATCCTGTTTATACTGAGAGCACTGATGATAAACA[C>T]CTCAAGTTCCAACCACATTTTGGACAGCAGGAATGTGTTTCTCCATACAGGTCACGGGGA-3'
Protein context (NP_000029.2, residues 1076-1096): PVYTESTDDK[His1086=]LKFQPHFGQQ